The following is an entry in ClinVar:

ClinVar aggregate classification (germline): Pathogenic. Review status: criteria provided, multiple submitters, no conflicts (2 of 4 stars). 5 submissions from 5 submitters: Pathogenic (5). Last evaluated 2025-06-11.

Conditions:
Inborn genetic diseases. Identifiers: MedGen C0950123, MeSH D030342.
Hereditary spastic paraplegia 4. Also called: Spastic paraplegia 4, autosomal dominant; Spastic Paraplegia 4; Familial spastic paraplegia autosomal dominant 2. Identifiers: Orphanet 100985, MedGen C1866855, MONDO:0008438, OMIM 182601.

Submissions (5):

Labcorp Genetics (formerly Invitae), Labcorp
Classification: Pathogenic for Hereditary spastic paraplegia 4. Last evaluated: 2025-06-11. Review status: criteria provided, single submitter. Criteria: Invitae Variant Classification Sherloc (09022015). Collection method: clinical testing. Allele origin: germline.
Comment: This sequence change replaces methionine, which is neutral and non-polar, with valine, which is neutral and non-polar, at codon 390 of the SPAST protein (p.Met390Val). This variant is not present in population databases (gnomAD no frequency). This missense change has been observed in individual(s) with hereditary spastic paraplegia (HSP) (PMID: 14732620, 20932283). In at least one individual the variant was observed to be de novo. It has also been observed to segregate with disease in related individuals. Invitae Evidence Modeling of clinical and family history, age, sex, and reported ancestry of multiple individuals with this SPAST variant has been performed. This variant is expected to be pathogenic with a positive predictive value of at least 99%. This is a validated machine learning model that incorporates the clinical features of 4,195 individuals referred to our laboratory for SPAST testing. ClinVar contains an entry for this variant (Variation ID: 208644). Invitae Evidence Modeling of protein sequence and biophysical properties (such as structural, functional, and spatial information, amino acid conservation, physicochemical variation, residue mobility, and thermodynamic stability) indicates that this missense variant is expected to disrupt SPAST protein function with a positive predictive value of 80%. For these reasons, this variant has been classified as Pathogenic.

GeneDx
Classification: Pathogenic. Last evaluated: 2024-07-14. Review status: criteria provided, single submitter. Criteria: GeneDx Variant Classification Process June 2021. Collection method: clinical testing. Allele origin: germline. Affected: yes.
Comment: Not observed at significant frequency in large population cohorts (gnomAD); In silico analysis indicates that this missense variant does not alter protein structure/function; This variant is associated with the following publications: (PMID: 25525159, 26208798, 20932283, 14732620, 35076175, 32005694, 38168508, 37251230, 35982159, 33057194, 34983064, 12778437, 29691679, 21139634, 26094131)

Athena Diagnostics
Classification: Pathogenic. Last evaluated: 2017-04-28. Review status: criteria provided, single submitter. Criteria: Athena Diagnostics Criteria. Collection method: clinical testing. Allele origin: germline.

Ambry Genetics
Classification: Pathogenic for Inborn genetic diseases. Last evaluated: 2014-10-15. Review status: criteria provided, single submitter. Criteria: Ambry Variant Classification Scheme 2023. Collection method: clinical testing. Allele origin: germline.
Comment: The c.1168A>G (p.M390V) alteration is located in exon 8 (coding exon 8) of the SPAST gene. This alteration results from a A to G substitution at nucleotide position 1168, causing the methionine (M) at amino acid position 390 to be replaced by a valine (V). The alteration is not observed in healthy cohorts:_x000D_ Based on data from the NHLBI Exome Sequencing Project (ESP), the SPAST c.1168A>G alteration was not observed among 6,503 individuals tested. Allele frequency data for this nucleotide position are not currently available from the 1000 Genomes Project and the alteration is not currently listed in the Database of Single Nucleotide Polymorphisms (dbSNP)._x000D_ Though some variants may appear to be rare due to database-specific ethnic underrepresentation, rare missense alleles commonly exhibit a deleterious effect on protein function (Kryukov, 2007; Tennessen, 2012). IF USED, PULL THESE INTO REFERENCES:_x000D_ Kryukov GV, et al. (2007) Am J Hum Genet 80:727-739. Tennessen JA, et al. (2012) Science 337(64):64-69. The amino acid change has been observed in affected individuals: _x000D_ This amino acid alteration was reported in several members of a Chinese family with HSP (Tang, 2004). Both pure and complicated HSP patients were seen in this family, with their clinical features including an early age of onset (mean 4.5 years), cognitive deficit, ataxia, epilepsy, and amyotrophy of the lower extremities. The altered amino acid is conserved throughout evolution:_x000D_ The p.M390 amino acid position is completely conserved in available vertebrate species. The amino acid is located in a functionally important protein domain:_x000D_ The p.M390V amino acid is located in the AAA-ATPase domain of the spastin protein. The highly-conserved AAA cassette contains Walker A and B motifs (sites of ATP binding and ATPase activity), a helix-loop-helix dimerization domain, and a leucine zipper motif (Svenson, 2001). Most mutations in SPG4 affect this domain, and are associated with a trend towards earlier disease onset (Lourerio, 2013). The alteration is predicted deleterious by in silico models:_x000D_ The p.M390V alteration is predicted to be possibly damaging by Polyphen and deleterious by SIFT in silico analyses. Based on the available evidence, this alteration is classified as pathogenic.

Paris Brain Institute, Inserm - ICM
Classification: Pathogenic for Hereditary spastic paraplegia 4. Review status: criteria provided, single submitter. Criteria: ACMG Guidelines, 2015. Collection method: clinical testing. Allele origin: unknown. Affected: yes. Observed: 1 variant allele.

Literature cited by the submitters: PubMed 14732620 (cited by Labcorp Genetics (formerly Invitae), Labcorp and Athena Diagnostics); PubMed 20932283 (cited by Labcorp Genetics (formerly Invitae), Labcorp and Athena Diagnostics); PubMed 26208798 (cited by Athena Diagnostics).

NM_014946.4(SPAST):c.1168A>G (p.Met390Val)

Gene: SPAST (spastin; plus strand). Cytogenetic location: 2p22.3.
Variant type: single nucleotide variant.
Coding change: c.1168A>G on transcript NM_014946.4 (MANE Select); coding-DNA position 1168, A replaced by G.
Protein change: p.Met390Val; replaces methionine 390 with valine.
Molecular consequence: missense variant.
Genome position (GRCh38, 1-based): chr2:32,127,017, A>G. VCF-style: chr2-32127017-A-G. GRCh37 (hg19) VCF-style: chr2-32352086-A-G.
Other names: c.1165A>G, p.Met389Val (NM_001363823.2); c.1069A>G, p.Met357Val (NM_001363875.2); c.1072A>G, p.Met358Val (NM_001377959.1, NM_199436.2); short protein forms M390V, M358V, M357V, M389V.
Identifiers: ClinVar variation 208644 (VCV000208644.18), dbSNP rs797044850, ClinGen allele CA204591.
Genomic context (GRCh38, chr2:32,127,017, plus strand): 5'-GGGCTTAGAGCTCCTGCCAGAGGGCTGTTACTCTTTGGTCCACCTGGGAATGGGAAGACA[A>G]TGCTGGTAAGGGTTCTCTTCAAATTTGAGTTTTCTGTTGAGATATTTGGGATAATATGAA-3'
Protein context (NP_055761.2, residues 380-400): LFGPPGNGKT[Met390Val]LAKAVAAESN